The following is an entry in ClinVar:

ClinVar aggregate classification (germline): Benign (1 of 4 stars; one submission).

Allele frequency attached by ClinVar (database versions not stated): TOPMed 0.20167; gnomAD 0.20337 and 0.20524; 1000 Genomes Project 30x 0.23376; 1000 Genomes Project 0.23762.
gnomAD v4.1: 31,222 of 152,118 alleles (21%); highest among the groups gnomAD compares: East Asian, 36%; 3,366 homozygotes.

Submission:

GeneDx
Classification: Benign. Last evaluated: 2018-06-19. Review status: criteria provided, single submitter. Criteria: GeneDx Variant Classification (06012015). Collection method: clinical testing. Allele origin: germline. Affected: yes.
Comment: This variant is considered likely benign or benign based on one or more of the following criteria: it is a conservative change, it occurs at a poorly conserved position in the protein, it is predicted to be benign by multiple in silico algorithms, and/or has population frequency not consistent with disease.

NM_182961.4(SYNE1):c.5422-259T>C

Gene: SYNE1 (spectrin repeat containing nuclear envelope protein 1; minus strand). Cytogenetic location: 6q25.2.
Variant type: single nucleotide variant.
Coding change: c.5422-259T>C on transcript NM_182961.4 (MANE Select); 259 bases into the intron before coding-DNA position 5422, T replaced by C.
Molecular consequence: intron variant.
Genome position (GRCh38, 1-based): chr6:152,417,274, A>G on the plus strand (T>C on the coding strand, the complement: SYNE1 is on the minus strand). VCF-style: chr6-152417274-A-G. GRCh37 (hg19) VCF-style: chr6-152738409-A-G.
Other names: c.5443-259T>C (NM_033071.5).
Identifiers: ClinVar variation 683916 (VCV000683916.1), dbSNP rs7738706, ClinGen allele CA12308882.
Genomic context (GRCh38, chr6:152,417,274, plus strand): 5'-CTGGGCCAGGCGCGGTGGCTCACGCCTGTAATCCCAGCACTTTGGGAGGCCAAGGCGGGC[A>G]GATCACGAGGTCAGGAGATCGAAACCATCCTGGCTAACACGGTGAAACCCCGTCTCTACT-3'